The following is an entry in ClinVar:

NM_001354969.2(SAXO6):c.868A>T (p.Lys290Ter)

Gene: SAXO6 (stabilizer of axonemal microtubules 6; minus strand). Cytogenetic location: 12q15.
Variant type: single nucleotide variant.
Coding change: c.868A>T on transcript NM_001354969.2 (MANE Select); coding-DNA position 868, A replaced by T.
Protein change: p.Lys290Ter; replaces lysine 290 with a stop codon.
Molecular consequence: nonsense.
Genome position (GRCh38, 1-based): chr12:68,321,562, T>A on the plus strand (A>T on the coding strand, the complement: SAXO6 is on the minus strand). VCF-style: chr12-68321562-T-A. GRCh37 (hg19) VCF-style: chr12-68715342-T-A.
Other names: NC_000012.12:g.68321562T>A I NP_001341898.1:p.(Lys290Ter); c.733A>T, p.Lys245Ter (NM_001205028.3); c.718A>T, p.Lys240Ter (NM_001354970.2); c.28A>T, p.Lys10Ter (NM_001354971.2, NM_001354972.2, NM_001354973.2 and 2 more transcripts); c.868A>T, p.Lys290Ter (NM_017440.6); short protein forms K10*, K240*, K245*, K290*.
Identifiers: ClinVar variation 4813670 (VCV004813670.1).

ClinVar aggregate classification (germline): Likely pathogenic (1 of 4 stars; one submission).

Conditions:
Retinitis pigmentosa with or without extraocular features.

gnomAD v4.1: 13 of 1,613,350 alleles (0.00081%); highest among the groups gnomAD compares: Admixed American, 0.013%; no homozygotes.

Submission:

Ophthalmic Genetics Group, Institute of Molecular and Clinical Ophthalmology Basel
Classification: Likely pathogenic for Retinitis pigmentosa with or without extraocular features. Last evaluated: 2025-12-02. Review status: criteria provided, single submitter. Criteria: ACMG Guidelines, 2015. Collection method: research. Allele origin: germline. Affected: yes. Observed: 1 variant allele.
Comment: This stopgain change introduces a premature termination codon at amino acid position 290, and likely results in nonsense-mediated mRNA decay. This variant has a low population frequency based on gnomAD v4.1. This variant was classified as Likely pathogenic based on ACMG criteria: PVS1, PM2_sup.

Literature cited by the submitters: PubMed 41742423.